The following is an entry in ClinVar:

ClinVar aggregate classification (germline): Pathogenic (0 of 4 stars; one submission).

Conditions:
Autosomal dominant nonsyndromic hearing loss 67. Also called: Deafness, autosomal dominant 67. Identifiers: Orphanet 90635, MedGen C4084712, MONDO:0014594, OMIM 616340.

Submission:

Laboratory of Molecular Genetics, Brain Korea 21 PLUS Project for Medical Sciences, Yonsei University College of Medicine
Classification: Pathogenic for Autosomal dominant nonsyndromic hearing loss 67. Last evaluated: 2019-01-03. Review status: no assertion criteria provided. Collection method: research. Allele origin: germline. Inheritance: Autosomal dominant inheritance. Affected: yes.

NM_144498.4(OSBPL2):c.180_181del (p.His60fs)

Gene: OSBPL2 (oxysterol binding protein like 2; plus strand). Cytogenetic location: 20q13.33.
Variant type: Microsatellite.
Coding change: c.180_181del on transcript NM_144498.4 (MANE Select); coding-DNA positions 180 to 181, 2 bases deleted (CA; older notation c.180_181delCA).
Protein change: p.His60fs; shifts the reading frame from histidine 60.
Molecular consequence: frameshift variant. On other transcripts: 5 prime UTR variant (1), intron variant (1).
Genome position (GRCh38, 1-based): chr20:62,260,123-62,260,124, CA deleted; deleting any 2 consecutive bases within chr20:62,260,120-62,260,124 gives the same sequence; the c. name uses the placement nearest the transcript's 3' end. VCF-style (leftmost placement, unchanged base first): chr20-62260119-AAC-A. GRCh37 (hg19) VCF-style: chr20-60835175-AAC-A.
Other names: c.177_178del (NM_144498.4); c.-189CA[1] (NM_001363878.2); c.144_145del, p.His48fs (NM_014835.5); c.-184-3493_-184-3492del (NM_001278649.3); short protein forms H48fs, H60fs.
Identifiers: ClinVar variation 977817 (VCV000977817.3), dbSNP rs1981202197, ClinGen allele CA1139666773.